The following is an entry in ClinVar:

NM_024675.4(PALB2):c.257C>G (p.Thr86Ser)

Gene: PALB2 (partner and localizer of BRCA2; minus strand). Cytogenetic location: 16p12.2.
Variant type: single nucleotide variant.
Coding change: c.257C>G on transcript NM_024675.4 (MANE Select); coding-DNA position 257, C replaced by G.
Protein change: p.Thr86Ser; replaces threonine 86 with serine.
Molecular consequence: missense variant.
Genome position (GRCh38, 1-based): chr16:23,636,289, G>C on the plus strand (C>G on the coding strand, the complement: PALB2 is on the minus strand). VCF-style: chr16-23636289-G-C. GRCh37 (hg19) VCF-style: chr16-23647610-G-C.
Other names: short protein forms T86S.
Identifiers: ClinVar variation 1514021 (VCV001514021.9), dbSNP rs1967059270, ClinGen allele CA395138889.

ClinVar aggregate classification (germline): Uncertain significance (1 of 4 stars; one submission).

Conditions:
Familial cancer of breast. Also called: Hereditary breast cancer; hereditary breast carcinoma; BREAST CANCER, FAMILIAL. Identifiers: Orphanet 227535, MedGen C0346153, MONDO:0016419, OMIM 114480. Disease mechanism: loss of function.

Submission:

Labcorp Genetics (formerly Invitae), Labcorp
Classification: Uncertain significance for Familial cancer of breast. Last evaluated: 2021-05-08. Review status: criteria provided, single submitter. Criteria: Invitae Variant Classification Sherloc (09022015). Collection method: clinical testing. Allele origin: germline.
Comment: This sequence change replaces threonine with serine at codon 86 of the PALB2 protein (p.Thr86Ser). The threonine residue is weakly conserved and there is a small physicochemical difference between threonine and serine. In summary, the available evidence is currently insufficient to determine the role of this variant in disease. Therefore, it has been classified as a Variant of Uncertain Significance. Algorithms developed to predict the effect of missense changes on protein structure and function output the following: SIFT: "Tolerated"; PolyPhen-2: "Benign"; Align-GVGD: "Class C0". The serine amino acid residue is found in multiple mammalian species, suggesting that this missense change does not adversely affect protein function. These predictions have not been confirmed by published functional studies and their clinical significance is uncertain. This variant has not been reported in the literature in individuals with PALB2-related conditions. This variant is not present in population databases (ExAC no frequency).